The following is an entry in ClinVar:

NM_000709.4(BCKDHA):c.336T>G (p.Leu112=)

Gene: BCKDHA (branched chain keto acid dehydrogenase E1 subunit alpha; plus strand). Cytogenetic location: 19q13.2.
Variant type: single nucleotide variant.
Coding change: c.336T>G on transcript NM_000709.4 (MANE Select); coding-DNA position 336, T replaced by G.
Protein change: p.Leu112=; no amino-acid change (leucine 112 retained).
Molecular consequence: synonymous variant.
Genome position (GRCh38, 1-based): chr19:41,410,970, T>G. VCF-style: chr19-41410970-T-G. GRCh37 (hg19) VCF-style: chr19-41916875-T-G.
Other names: c.336T>G, p.Leu112= (NM_001164783.2).
Identifiers: ClinVar variation 389804 (VCV000389804.13), dbSNP rs150700696, ClinGen allele CA9461089.

ClinVar aggregate classification (germline): Likely benign. Review status: criteria provided, multiple submitters, no conflicts (2 of 4 stars). 3 submissions from 3 submitters: Likely benign (2). 1 of the submissions does not count toward it. Last evaluated 2026-01-20.

Conditions:
BCKDHA-related disorder. Also called: BCKDHA-related condition.
Maple syrup urine disease (MSUD). Identifiers: Orphanet 511, MedGen C0024776, MeSH D008375, MONDO:0009563. Disease mechanism: loss of function.

Allele frequency attached by ClinVar (database versions not stated): ExAC 0.00011; gnomAD exomes 0.00013 and 0.00026; TOPMed 0.00017; 1000 Genomes Project 0.00020; gnomAD 0.00020; ESP Exome Variant Server 0.00023; 1000 Genomes Project 30x 0.00031.
gnomAD v4.1: 412 of 1,614,094 alleles (0.026%); highest among the groups gnomAD compares: Non-Finnish European, 0.033%; no homozygotes.

Submissions (3):

Labcorp Genetics (formerly Invitae), Labcorp
Classification: Likely benign for Maple syrup urine disease. Last evaluated: 2026-01-20. Review status: criteria provided, single submitter. Criteria: Invitae Variant Classification Sherloc (09022015). Collection method: clinical testing. Allele origin: germline.

GeneDx
Classification: Likely benign. Last evaluated: 2016-10-14. Review status: criteria provided, single submitter. Criteria: GeneDx Variant Classification (06012015). Collection method: clinical testing. Allele origin: germline. Affected: yes.
Comment: This variant is considered likely benign or benign based on one or more of the following criteria: it is a conservative change, it occurs at a poorly conserved position in the protein, it is predicted to be benign by multiple in silico algorithms, and/or has population frequency not consistent with disease.

PreventionGenetics, part of Exact Sciences
Classification: Likely benign for BCKDHA-related condition. Last evaluated: 2024-07-05. Review status: no assertion criteria provided. Collection method: clinical testing. Allele origin: germline. Not counted in ClinVar's aggregate classification.
Comment: This variant is classified as likely benign based on ACMG/AMP sequence variant interpretation guidelines (Richards et al. 2015 PMID: 25741868, with internal and published modifications).